The following is an entry in ClinVar:

ClinVar aggregate classification (germline): Uncertain significance (1 of 4 stars; one submission).

Submission:

Labcorp Genetics (formerly Invitae), Labcorp
Classification: Uncertain significance. Last evaluated: 2019-08-09. Review status: criteria provided, single submitter. Criteria: Invitae Variant Classification Sherloc (09022015). Collection method: clinical testing. Allele origin: germline.
Comment: In summary, the available evidence is currently insufficient to determine the role of this variant in disease. Therefore, it has been classified as a Variant of Uncertain Significance. Algorithms developed to predict the effect of missense changes on protein structure and function (SIFT, PolyPhen-2, Align-GVGD) all suggest that this variant is likely to be tolerated, but these predictions have not been confirmed by published functional studies and their clinical significance is uncertain. This variant has not been reported in the literature in individuals with ATOH7-related conditions. This variant is not present in population databases (ExAC no frequency). This sequence change replaces aspartic acid with asparagine at codon 119 of the ATOH7 protein (p.Asp119Asn). The aspartic acid residue is moderately conserved and there is a small physicochemical difference between aspartic acid and asparagine.

NM_145178.4(ATOH7):c.355G>A (p.Asp119Asn)

Gene: ATOH7 (atonal bHLH transcription factor 7; minus strand). Cytogenetic location: 10q21.3.
Variant type: single nucleotide variant.
Coding change: c.355G>A on transcript NM_145178.4 (MANE Select); coding-DNA position 355, G replaced by A.
Protein change: p.Asp119Asn; replaces aspartic acid 119 with asparagine.
Molecular consequence: missense variant.
Genome position (GRCh38, 1-based): chr10:68,231,323, C>T on the plus strand (G>A on the coding strand, the complement: ATOH7 is on the minus strand). VCF-style: chr10-68231323-C-T. GRCh37 (hg19) VCF-style: chr10-69991080-C-T.
Other names: short protein forms D119N.
Identifiers: ClinVar variation 933794 (VCV000933794.9), dbSNP rs2044025222, ClinGen allele CA376835431.